The following is an entry in ClinVar:

NM_006493.4(CLN5):c.442C>T (p.His148Tyr)

Gene: CLN5 (CLN5 lysosomal BMP synthase; plus strand). Cytogenetic location: 13q22.3.
Variant type: single nucleotide variant.
Coding change: c.442C>T on transcript NM_006493.4 (MANE Select); coding-DNA position 442, C replaced by T.
Protein change: p.His148Tyr; replaces histidine 148 with tyrosine.
Molecular consequence: missense variant.
Genome position (GRCh38, 1-based): chr13:76,996,004, C>T. VCF-style: chr13-76996004-C-T. GRCh37 (hg19) VCF-style: chr13-77570139-C-T.
Other names: c.442C>T, p.His148Tyr (NM_001366624.2); short protein forms H148Y.
Identifiers: ClinVar variation 970155 (VCV000970155.11), dbSNP rs752563013, ClinGen allele CA7007203.

ClinVar aggregate classification (germline): Uncertain significance. Review status: criteria provided, multiple submitters, no conflicts (2 of 4 stars). 3 submissions from 3 submitters: Uncertain significance (2). 1 of the submissions does not count toward it. Last evaluated 2024-12-11.

Conditions:
Neuronal ceroid lipofuscinosis. Also called: Neuronal Ceroid Lipofuscinoses. Identifiers: Orphanet 216, Orphanet 79263, MedGen C0027877, MONDO:0016295. Disease mechanism: loss of function.

Allele frequency attached by ClinVar (database versions not stated): gnomAD below 0.00001 and 0.00001; TOPMed below 0.00001; gnomAD exomes 0.00004 and 0.00008; ExAC 0.00009.
gnomAD v4.1: 67 of 1,614,202 alleles (0.0042%); highest among the groups gnomAD compares: South Asian, 0.044%; no homozygotes.

Submissions (3):

GeneDx
Classification: Uncertain significance. Last evaluated: 2024-12-11. Review status: criteria provided, single submitter. Criteria: GeneDx Variant Classification Process June 2021. Collection method: clinical testing. Allele origin: germline. Affected: yes.
Comment: In silico analysis supports that this missense variant has a deleterious effect on protein structure/function; Has not been previously published as pathogenic or benign to our knowledge

Labcorp Genetics (formerly Invitae), Labcorp
Classification: Uncertain significance for Neuronal ceroid lipofuscinosis. Last evaluated: 2022-09-07. Review status: criteria provided, single submitter. Criteria: Invitae Variant Classification Sherloc (09022015). Collection method: clinical testing. Allele origin: germline.
Comment: This sequence change replaces histidine, which is basic and polar, with tyrosine, which is neutral and polar, at codon 197 of the CLN5 protein (p.His197Tyr). This variant is present in population databases (rs752563013, gnomAD 0.06%). This variant has not been reported in the literature in individuals affected with CLN5-related conditions. ClinVar contains an entry for this variant (Variation ID: 970155). Algorithms developed to predict the effect of missense changes on protein structure and function (SIFT, PolyPhen-2, Align-GVGD) all suggest that this variant is likely to be disruptive. In summary, the available evidence is currently insufficient to determine the role of this variant in disease. Therefore, it has been classified as a Variant of Uncertain Significance.

Natera, Inc.
Classification: Uncertain significance for Neuronal ceroid lipofuscinosis. Last evaluated: 2020-04-26. Review status: no assertion criteria provided. Collection method: clinical testing. Allele origin: germline. Not counted in ClinVar's aggregate classification.